The following is an entry in ClinVar:

ClinVar aggregate classification (germline): Likely pathogenic (1 of 4 stars; one submission).

Conditions:
Lysinuric protein intolerance (LPI). Identifiers: Orphanet 470, MedGen C0268647, MONDO:0009109, OMIM 222700.

gnomAD v4.1: 1 of 1,614,012 alleles (0.000062%); highest among the groups gnomAD compares: Non-Finnish European, 0.000085%; no homozygotes.

Submission:

Labcorp Genetics (formerly Invitae), Labcorp
Classification: Likely pathogenic for Lysinuric protein intolerance. Last evaluated: 2023-10-03. Review status: criteria provided, single submitter. Criteria: Invitae Variant Classification Sherloc (09022015). Collection method: clinical testing. Allele origin: germline.
Comment: This sequence change affects a donor splice site in intron 5 of the SLC7A7 gene. It is expected to disrupt RNA splicing. Variants that disrupt the donor or acceptor splice site typically lead to a loss of protein function (PMID: 16199547), and loss-of-function variants in SLC7A7 are known to be pathogenic (PMID: 10631139, 17764084). This variant is not present in population databases (gnomAD no frequency). This variant has not been reported in the literature in individuals affected with SLC7A7-related conditions. Algorithms developed to predict the effect of sequence changes on RNA splicing suggest that this variant may disrupt the consensus splice site. In summary, the currently available evidence indicates that the variant is pathogenic, but additional data are needed to prove that conclusively. Therefore, this variant has been classified as Likely Pathogenic.

Literature cited by the submitters: PubMed 16199547; PubMed 10631139; PubMed 17764084.

NM_003982.4(SLC7A7):c.770+1G>A

Gene: SLC7A7 (solute carrier family 7 member 7; minus strand). Cytogenetic location: 14q11.2.
Variant type: single nucleotide variant.
Coding change: c.770+1G>A on transcript NM_003982.4 (MANE Select); the canonical splice donor site of the intron after coding-DNA position 770, G replaced by A.
Molecular consequence: splice donor variant.
Genome position (GRCh38, 1-based): chr14:22,778,792, C>T on the plus strand (G>A on the coding strand, the complement: SLC7A7 is on the minus strand). VCF-style: chr14-22778792-C-T. GRCh37 (hg19) VCF-style: chr14-23248001-C-T.
Other names: c.770+1G>A (NM_001126106.4, NM_001126105.3).
Identifiers: ClinVar variation 2713122 (VCV002713122.5), dbSNP rs1264298481, ClinGen allele CA388923869.